The following is an entry in ClinVar:

NM_001792.5(CDH2):c.1157C>T (p.Thr386Met)

Gene: CDH2 (cadherin 2; minus strand). Cytogenetic location: 18q12.1.
Variant type: single nucleotide variant.
Coding change: c.1157C>T on transcript NM_001792.5 (MANE Select); coding-DNA position 1157, C replaced by T.
Protein change: p.Thr386Met; replaces threonine 386 with methionine.
Molecular consequence: missense variant.
Genome position (GRCh38, 1-based): chr18:27,993,501, G>A on the plus strand (C>T on the coding strand, the complement: CDH2 is on the minus strand). VCF-style: chr18-27993501-G-A. GRCh37 (hg19) VCF-style: chr18-25573465-G-A.
Other names: c.1157C>T (NM_001792.4); c.1064C>T, p.Thr355Met (NM_001308176.2); short protein forms T386M, T355M.
Identifiers: ClinVar variation 1915006 (VCV001915006.6), dbSNP rs764389179, ClinGen allele CA8923510.
Genomic context (GRCh38, chr18:27,993,501, plus strand): 5'-CAACCTTCTCAGTAACGAACTACAGACCCAAAGTTGTGTGAGTGACAGGCTGTACTCACC[G>A]TCATGGCAGTAAACTCTGGAGGATTGTCATTGACATCTGTCACTGTGATGACGGCCGTGG-3'
Protein context (NP_001783.2, residues 376-396): NDNPPEFTAM[Thr386Met]FYGEVPENRV

ClinVar aggregate classification (germline): Uncertain significance. Review status: criteria provided, multiple submitters, no conflicts (2 of 4 stars). 2 submissions from 2 submitters: Uncertain significance (2). Last evaluated 2025-06-06.

Allele frequency attached by ClinVar (database versions not stated): TOPMed below 0.00001; ExAC 0.00001; gnomAD exomes 0.00001.
gnomAD v4.1: 17 of 1,613,542 alleles (0.0011%); highest among the groups gnomAD compares: East Asian, 0.0022%; no homozygotes.

Submissions (2):

GeneDx
Classification: Uncertain significance. Last evaluated: 2025-06-06. Review status: criteria provided, single submitter. Criteria: GeneDx Variant Classification Process June 2021. Collection method: clinical testing. Allele origin: germline. Affected: yes.
Comment: Not observed at significant frequency in large population cohorts (gnomAD); In silico analysis supports that this missense variant has a deleterious effect on protein structure/function; Has not been previously published as pathogenic or benign to our knowledge

Labcorp Genetics (formerly Invitae), Labcorp
Classification: Uncertain significance. Last evaluated: 2022-04-19. Review status: criteria provided, single submitter. Criteria: Invitae Variant Classification Sherloc (09022015). Collection method: clinical testing. Allele origin: germline.
Comment: This sequence change replaces threonine, which is neutral and polar, with methionine, which is neutral and non-polar, at codon 386 of the CDH2 protein (p.Thr386Met). The frequency data for this variant in the population databases is considered unreliable, as metrics indicate poor data quality at this position in the gnomAD database. This variant has not been reported in the literature in individuals affected with CDH2-related conditions. Algorithms developed to predict the effect of missense changes on protein structure and function are either unavailable or do not agree on the potential impact of this missense change (SIFT: "Deleterious"; PolyPhen-2: "Benign"; Align-GVGD: "Class C65"). In summary, the available evidence is currently insufficient to determine the role of this variant in disease. Therefore, it has been classified as a Variant of Uncertain Significance.